The following is an entry in ClinVar:

ClinVar aggregate classification (germline): Uncertain significance. Review status: criteria provided, multiple submitters, no conflicts (2 of 4 stars). 7 submissions from 6 submitters: Uncertain significance (6). 1 of the submissions does not count toward it. Last evaluated 2026-01-15.

Conditions:
Autosomal dominant nonsyndromic hearing loss 36. Identifiers: Orphanet 90635, MedGen C1847626, MONDO:0011708, OMIM 606705.
Autosomal recessive nonsyndromic hearing loss 7. Also called: DEAFNESS, AUTOSOMAL RECESSIVE 11. Identifiers: Orphanet 90636, MedGen C1832978, MONDO:0010967, OMIM 600974.

Allele frequency attached by ClinVar (database versions not stated): ESP Exome Variant Server 0.00046; gnomAD 0.00036 and 0.00035; ExAC 0.00024; gnomAD exomes 0.00027 and 0.00044; TOPMed 0.00035.
gnomAD v4.1: 695 of 1,611,694 alleles (0.043%); highest among the groups gnomAD compares: Non-Finnish European, 0.054%; 1 homozygote.

Submissions (7):

GeneDx
Classification: Uncertain significance. Last evaluated: 2026-01-15. Review status: criteria provided, single submitter. Criteria: GeneDx Variant Classification Process June 2021. Collection method: clinical testing. Allele origin: germline. Affected: yes.
Comment: In silico analysis suggests that this missense variant does not alter protein structure/function; Has not been previously published as pathogenic or benign to our knowledge

Labcorp Genetics (formerly Invitae), Labcorp
Classification: Uncertain significance. Last evaluated: 2025-09-27. Review status: criteria provided, single submitter. Criteria: Invitae Variant Classification Sherloc (09022015). Collection method: clinical testing. Allele origin: germline.
Comment: This sequence change replaces glutamic acid, which is acidic and polar, with lysine, which is basic and polar, at codon 16 of the TMC1 protein (p.Glu16Lys). This variant is present in population databases (rs140437301, gnomAD 0.04%). This variant has not been reported in the literature in individuals affected with TMC1-related conditions. ClinVar contains an entry for this variant (Variation ID: 913097). Invitae Evidence Modeling of protein sequence and biophysical properties (such as structural, functional, and spatial information, amino acid conservation, physicochemical variation, residue mobility, and thermodynamic stability) indicates that this missense variant is not expected to disrupt TMC1 protein function with a negative predictive value of 80%. In summary, the available evidence is currently insufficient to determine the role of this variant in disease. Therefore, it has been classified as a Variant of Uncertain Significance.

Blueprint Genetics
Classification: Uncertain significance. Last evaluated: 2024-10-15. Review status: criteria provided, single submitter. Criteria: ACMG Guidelines, 2015. Collection method: clinical testing. Allele origin: germline.

Laboratory for Molecular Medicine, Mass General Brigham Personalized Medicine
Classification: Uncertain significance. Last evaluated: 2019-03-20. Review status: criteria provided, single submitter. Criteria: LMM Criteria. Collection method: clinical testing. Allele origin: germline. Observed: 2 variant alleles.
Comment: The p.Glu16Lys variant in TMC1 has not been previously reported in individuals with hearing loss, but has been identified in 0.04% (54/127958) of European chromosomes by gnomAD. Computational prediction tools predict that this variant does not impact the protein, though this information is not predictive enough to rule out pathogenicity. In summary, the clinical significance of this variant is uncertain. ACMG/AMP Criteria applied: BP4.

Illumina Laboratory Services, Illumina
Classification: Uncertain significance for Autosomal recessive nonsyndromic hearing loss 7. Last evaluated: 2017-04-28. Review status: criteria provided, single submitter. Criteria: ICSL Variant Classification Criteria 13 December 2019. Collection method: clinical testing. Allele origin: germline.

Illumina Laboratory Services, Illumina
Classification: Uncertain significance for Autosomal dominant nonsyndromic hearing loss 36. Last evaluated: 2017-04-28. Review status: criteria provided, single submitter. Criteria: ICSL Variant Classification Criteria 13 December 2019. Collection method: clinical testing. Allele origin: germline.

Department of Pathology and Laboratory Medicine, Sinai Health System
Classification: Uncertain significance. Review status: no assertion criteria provided. Collection method: clinical testing. Allele origin: unknown. Affected: yes. Study: The Canadian Open Genetics Repository (COGR). Not counted in ClinVar's aggregate classification.
Comment: The TMC1 p.Glu16Lys variant was not identified in the literature nor was it identified in ClinVar or LOVD 3.0. The variant was identified in dbSNP (ID: rs140437301) and in control databases in 75 of 280480 chromosomes at a frequency of 0.0002674 (Genome Aggregation Database March 6, 2019, v2.1.1). The variant was observed in the following populations: European (non-Finnish) in 54 of 127958 chromosomes (freq: 0.000422), Latino in 12 of 35186 chromosomes (freq: 0.000341), African in 4 of 24744 chromosomes (freq: 0.000162), European (Finnish) in 4 of 25034 chromosomes (freq: 0.00016) and Other in 1 of 7158 chromosomes (freq: 0.00014), but was not observed in the Ashkenazi Jewish, East Asian, or South Asian populations. The p.Glu16 residue is not conserved in mammals and computational analyses (PolyPhen-2, SIFT, AlignGVGD, BLOSUM, MutationTaster) do not suggest a high likelihood of impact to the protein; however, this information is not predictive enough to rule out pathogenicity. The variant occurs outside of the splicing consensus sequence and in silico or computational prediction software programs (SpliceSiteFinder, MaxEntScan, NNSPLICE, GeneSplicer) do not predict a difference in splicing. In summary, based on the above information the clinical significance of this variant cannot be determined with certainty at this time. This variant is classified as a variant of uncertain significance.

NM_138691.3(TMC1):c.46G>A (p.Glu16Lys)

Gene: TMC1 (transmembrane channel like 1; plus strand). Cytogenetic location: 9q21.13.
Variant type: single nucleotide variant.
Coding change: c.46G>A on transcript NM_138691.3 (MANE Select); coding-DNA position 46, G replaced by A.
Protein change: p.Glu16Lys; replaces glutamic acid 16 with lysine.
Molecular consequence: missense variant.
Genome position (GRCh38, 1-based): chr9:72,688,738, G>A. VCF-style: chr9-72688738-G-A. GRCh37 (hg19) VCF-style: chr9-75303654-G-A.
Other names: short protein forms E16K.
Identifiers: ClinVar variation 913097 (VCV000913097.21), dbSNP rs140437301, ClinGen allele CA5081583.